The following is an entry in ClinVar:

NM_017777.4(MKS1):c.1598G>A (p.Arg533His)

Gene: MKS1 (MKS transition zone complex subunit 1; minus strand). Cytogenetic location: 17q22.
Variant type: single nucleotide variant.
Coding change: c.1598G>A on transcript NM_017777.4 (MANE Select); coding-DNA position 1598, G replaced by A.
Protein change: p.Arg533His; replaces arginine 533 with histidine.
Molecular consequence: missense variant. On other transcripts: synonymous variant (1), 3 prime UTR variant (1).
Genome position (GRCh38, 1-based): chr17:58,206,161, C>T on the plus strand (G>A on the coding strand, the complement: MKS1 is on the minus strand). VCF-style: chr17-58206161-C-T. GRCh37 (hg19) VCF-style: chr17-56283522-C-T.
Other names: c.989G>A, p.Arg330His (NM_001321268.2); c.1515G>A, p.Pro505= (NM_001321269.2); c.*10G>A (NM_001330397.2); short protein forms R533H, R330H.
Identifiers: ClinVar variation 890609 (VCV000890609.10), dbSNP rs779093781, ClinGen allele CA8669065.

ClinVar aggregate classification (germline): Uncertain significance. Review status: criteria provided, multiple submitters, no conflicts (2 of 4 stars). 6 submissions from 5 submitters: Uncertain significance (5). 1 of the submissions does not count toward it. Last evaluated 2024-06-03.

Conditions:
Bardet-Biedl syndrome 13 (BBS13). Identifiers: Orphanet 110, MedGen C2673873, MONDO:0014441, OMIM 615990.
Joubert syndrome. Also called: Familial aplasia of the vermis; JOUBERT-BOLTSHAUSER SYNDROME. Identifiers: Orphanet 475, MedGen C5979921, MONDO:0018772.
Meckel-Gruber syndrome. Also called: DYSENCEPHALIA SPLANCHNOCYSTICA; GRUBER SYNDROME; Dysencephalia splachnocystica. Identifiers: Orphanet 564, MedGen C0265215, MONDO:0018921.
MKS1-related disorder. Also called: MKS1-related condition; MKS1-related disorders. Identifiers: MedGen CN239382.
Inborn genetic diseases. Identifiers: MedGen C0950123, MeSH D030342.
Meckel syndrome, type 1 (MKS1). Also called: MECKEL-GRUBER SYNDROME, TYPE 1. Identifiers: Orphanet 564, MedGen C3714506, MONDO:0009571, OMIM 249000.

Allele frequency attached by ClinVar (database versions not stated): TOPMed 0.00006; ExAC 0.00002; 1000 Genomes Project 30x 0.00016.
gnomAD v4.1: 41 of 1,613,932 alleles (0.0025%); highest among the groups gnomAD compares: Admixed American, 0.0033%; no homozygotes.

Submissions (6):

GeneDx
Classification: Uncertain significance. Last evaluated: 2024-06-03. Review status: criteria provided, single submitter. Criteria: GeneDx Variant Classification Process June 2021. Collection method: clinical testing. Allele origin: germline. Affected: yes.
Comment: In silico analysis indicates that this missense variant does not alter protein structure/function; Has not been previously published as pathogenic or benign to our knowledge

Ambry Genetics
Classification: Uncertain significance for Inborn genetic diseases. Last evaluated: 2024-03-04. Review status: criteria provided, single submitter. Criteria: Ambry Variant Classification Scheme 2023. Collection method: clinical testing. Allele origin: germline.

Labcorp Genetics (formerly Invitae), Labcorp
Classification: Uncertain significance for Joubert syndrome; Meckel-Gruber syndrome. Last evaluated: 2022-10-13. Review status: criteria provided, single submitter. Criteria: Invitae Variant Classification Sherloc (09022015). Collection method: clinical testing. Allele origin: germline.
Comment: This sequence change replaces arginine, which is basic and polar, with histidine, which is basic and polar, at codon 533 of the MKS1 protein (p.Arg533His). This variant is present in population databases (rs779093781, gnomAD 0.02%). This variant has not been reported in the literature in individuals affected with MKS1-related conditions. ClinVar contains an entry for this variant (Variation ID: 890609). Advanced modeling of protein sequence and biophysical properties (such as structural, functional, and spatial information, amino acid conservation, physicochemical variation, residue mobility, and thermodynamic stability) performed at Invitae indicates that this missense variant is not expected to disrupt MKS1 protein function. In summary, the available evidence is currently insufficient to determine the role of this variant in disease. Therefore, it has been classified as a Variant of Uncertain Significance.

Illumina Laboratory Services, Illumina
Classification: Uncertain significance for Meckel syndrome, type 1. Last evaluated: 2018-01-13. Review status: criteria provided, single submitter. Criteria: ICSL Variant Classification Criteria 13 December 2019. Collection method: clinical testing. Allele origin: germline.

Illumina Laboratory Services, Illumina
Classification: Uncertain significance for Bardet-Biedl syndrome 13. Last evaluated: 2018-01-13. Review status: criteria provided, single submitter. Criteria: ICSL Variant Classification Criteria 13 December 2019. Collection method: clinical testing. Allele origin: germline.

PreventionGenetics, part of Exact Sciences
Classification: Uncertain significance for MKS1-related condition. Last evaluated: 2024-04-05. Review status: no assertion criteria provided. Collection method: clinical testing. Allele origin: germline. Not counted in ClinVar's aggregate classification.
Comment: The MKS1 c.1598G>A variant is predicted to result in the amino acid substitution p.Arg533His. To our knowledge, this variant has not been reported in the literature. This variant is reported in 0.019% of alleles in individuals of Ashkenazi Jewish descent in gnomAD. At this time, the clinical significance of this variant is uncertain due to the absence of conclusive functional and genetic evidence.